The following is an entry in ClinVar:

NM_130849.4(SLC39A4):c.976+1G>A

Gene: SLC39A4 (solute carrier family 39 member 4; minus strand). Cytogenetic location: 8q24.3.
Variant type: single nucleotide variant.
Coding change: c.976+1G>A on transcript NM_130849.4 (MANE Select); the canonical splice donor site of the intron after coding-DNA position 976, G replaced by A.
Molecular consequence: splice donor variant.
Genome position (GRCh38, 1-based): chr8:144,414,724, C>T on the plus strand (G>A on the coding strand, the complement: SLC39A4 is on the minus strand). VCF-style: chr8-144414724-C-T. GRCh37 (hg19) VCF-style: chr8-145640108-C-T.
Other names: c.694+1G>A (NM_001374839.1); c.901+1G>A (NM_017767.3); c.976+1G>A (NM_130849.3).
Identifiers: ClinVar variation 1476953 (VCV001476953.7), dbSNP rs1257920511, ClinGen allele CA372621425.
Genomic context (GRCh38, chr8:144,414,724, plus strand): 5'-CTTCCTTCCTACACGGGCTCCACCTCTGTGCTGCCAGCACAATGTCGGCGTGGGCACTCA[C>T]TCTCTGACTGGCTGAGCTGGTCCTGGACGGGGGGCCTGGACTGGGAGGTGCAGGCTCCAC-3'

ClinVar aggregate classification (germline): Likely pathogenic. Review status: criteria provided, multiple submitters, no conflicts (2 of 4 stars). 2 submissions from 2 submitters: Likely pathogenic (2). Last evaluated 2025-09-23.

Conditions:
Hereditary acrodermatitis enteropathica (AEZ). Also called: Acrodermatitis enteropathica. Identifiers: Orphanet 37, MedGen C0221036, MONDO:0008713, OMIM 201100.

Allele frequency attached by ClinVar (database versions not stated): gnomAD 0.00001; TOPMed 0.00001.

Submissions (2):

Natera, Inc.
Classification: Likely pathogenic for Acrodermatitis enteropathica. Last evaluated: 2025-09-23. Review status: criteria provided, single submitter. Criteria: Natera Variant Classification Schema (03/2026). Collection method: clinical testing. Allele origin: germline.
Comment: The c.976+1G>A variant in SLC39A4 is a canonical splice donor site variant predicted to affect pre-mRNA splicing, which may result in an abnormal transcript and altered protein product. This variant is expected to result in nonsense mediated decay, truncation, or a dysfunctional protein product. This variant is rare in the general population with a frequency below the threshold expected for the associated phenotype(s). Given the available evidence, this variant is classified as Likely Pathogenic.

Labcorp Genetics (formerly Invitae), Labcorp
Classification: Likely pathogenic. Last evaluated: 2023-04-25. Review status: criteria provided, single submitter. Criteria: Invitae Variant Classification Sherloc (09022015). Collection method: clinical testing. Allele origin: germline.
Comment: This variant is not present in population databases (gnomAD no frequency). In summary, the currently available evidence indicates that the variant is pathogenic, but additional data are needed to prove that conclusively. Therefore, this variant has been classified as Likely Pathogenic. Algorithms developed to predict the effect of sequence changes on RNA splicing suggest that this variant may disrupt the consensus splice site. ClinVar contains an entry for this variant (Variation ID: 1476953). This variant has not been reported in the literature in individuals affected with SLC39A4-related conditions. This sequence change affects a donor splice site in intron 5 of the SLC39A4 gene. It is expected to disrupt RNA splicing. Variants that disrupt the donor or acceptor splice site typically lead to a loss of protein function (PMID: 16199547), and loss-of-function variants in SLC39A4 are known to be pathogenic (PMID: 12955721).

Literature cited by the submitters: PubMed 16199547 (cited by Labcorp Genetics (formerly Invitae), Labcorp); PubMed 12955721 (cited by Labcorp Genetics (formerly Invitae), Labcorp).